The following is an entry in ClinVar:

ClinVar aggregate classification (germline): Uncertain significance (1 of 4 stars; one submission).

Submission:

GeneDx
Classification: Uncertain significance. Last evaluated: 2024-06-03. Review status: criteria provided, single submitter. Criteria: GeneDx Variant Classification Process June 2021. Collection method: clinical testing. Allele origin: germline. Affected: yes.
Comment: Not observed at significant frequency in large population cohorts (gnomAD); In silico analysis supports that this missense variant has a deleterious effect on protein structure/function; Has not been previously published as pathogenic or benign to our knowledge

NM_138927.4(SON):c.5830G>T (p.Gly1944Cys)

Gene: SON (SON DNA and RNA binding protein; plus strand). Cytogenetic location: 21q22.11.
Variant type: single nucleotide variant.
Coding change: c.5830G>T on transcript NM_138927.4 (MANE Select); coding-DNA position 5830, G replaced by T.
Protein change: p.Gly1944Cys; replaces glycine 1944 with cysteine.
Molecular consequence: missense variant. On other transcripts: non-coding transcript variant (1), intron variant (1).
Genome position (GRCh38, 1-based): chr21:33,555,061, G>T. VCF-style: chr21-33555061-G-T. GRCh37 (hg19) VCF-style: chr21-34927367-G-T.
Other names: c.5830G>T, p.Gly1944Cys (NM_001291411.2, NM_032195.3); c.245-2095G>T (NM_001291412.3); short protein forms G1944C.
Identifiers: ClinVar variation 3384634 (VCV003384634.1).